The following is an entry in ClinVar:

NM_000090.4(COL3A1):c.841C>G (p.Pro281Ala)

Gene: COL3A1 (collagen type III alpha 1 chain; plus strand). Cytogenetic location: 2q32.2.
Variant type: single nucleotide variant.
Coding change: c.841C>G on transcript NM_000090.4 (MANE Select); coding-DNA position 841, C replaced by G.
Protein change: p.Pro281Ala; replaces proline 281 with alanine.
Molecular consequence: missense variant.
Genome position (GRCh38, 1-based): chr2:188,991,046, C>G. VCF-style: chr2-188991046-C-G. GRCh37 (hg19) VCF-style: chr2-189855772-C-G.
Other names: short protein forms P281A.
Identifiers: ClinVar variation 2440292 (VCV002440292.7), dbSNP rs796246255, ClinGen allele CA62592404.

ClinVar aggregate classification (germline): Uncertain significance. Review status: criteria provided, multiple submitters, no conflicts (2 of 4 stars). 3 submissions from 3 submitters: Uncertain significance (3). Last evaluated 2023-11-30.

Conditions:
Ehlers-Danlos syndrome, type 4 (EDSVASC). Also called: Ehlers-Danlos syndrome vascular type; Ehlers Danlos syndrome, ecchymotic type; Ehlers Danlos syndrome, arterial type; Ehlers Danlos syndrome, Sack-Barabas type; Ehlers-Danlos Syndrome Type IV. Identifiers: Orphanet 286, MedGen C0268338, MONDO:0017314, OMIM 130050.

Allele frequency attached by ClinVar (database versions not stated): gnomAD 0.00001; TOPMed 0.00001.
gnomAD v4.1: 2 of 1,613,062 alleles (0.00012%); highest among the groups gnomAD compares: African/African-American, 0.0027%; no homozygotes.

Submissions (3):

All of Us Research Program, National Institutes of Health
Classification: Uncertain significance for Ehlers-Danlos syndrome, type 4. Last evaluated: 2023-11-30. Review status: criteria provided, single submitter. Criteria: ACMG Guidelines, 2015. Collection method: clinical testing. Allele origin: germline. Inheritance: Autosomal dominant inheritance. Observed: 1 variant allele, 1 heterozygote.
Comment: This study involves interpretation of variants in research participants for the purpose of population health screening. Participant phenotype was not available at the time of variant classification. Additional details can be found in publication PMID: 35346344, PMCID: PMC8962531

Labcorp Genetics (formerly Invitae), Labcorp
Classification: Uncertain significance for Ehlers-Danlos syndrome, type 4. Last evaluated: 2023-10-23. Review status: criteria provided, single submitter. Criteria: Invitae Variant Classification Sherloc (09022015). Collection method: clinical testing. Allele origin: germline.
Comment: This sequence change replaces proline, which is neutral and non-polar, with alanine, which is neutral and non-polar, at codon 281 of the COL3A1 protein (p.Pro281Ala). This variant is not present in population databases (gnomAD no frequency). This variant has not been reported in the literature in individuals affected with COL3A1-related conditions. ClinVar contains an entry for this variant (Variation ID: 2440292). Advanced modeling of protein sequence and biophysical properties (such as structural, functional, and spatial information, amino acid conservation, physicochemical variation, residue mobility, and thermodynamic stability) performed at Invitae indicates that this missense variant is not expected to disrupt COL3A1 protein function with a negative predictive value of 95%. In summary, the available evidence is currently insufficient to determine the role of this variant in disease. Therefore, it has been classified as a Variant of Uncertain Significance.

Revvity Omics, Revvity
Classification: Uncertain significance. Last evaluated: 2019-05-01. Review status: criteria provided, single submitter. Criteria: ACMG Guidelines, 2015. Collection method: clinical testing. Allele origin: germline.